The following is an entry in ClinVar:

ClinVar aggregate classification (germline): Uncertain significance (1 of 4 stars; one submission).

Conditions:
Intellectual disability, autosomal recessive 53 (NEDHSCA). Also called: NEURODEVELOPMENTAL DISORDER WITH OR WITHOUT HYPOTONIA, SEIZURES, AND CEREBELLAR ATROPHY; GLYCOSYLPHOSPHATIDYLINOSITOL BIOSYNTHESIS DEFECT 13; Mental retardation, autosomal recessive 53. Identifiers: Orphanet 488635, MedGen C4310794, MONDO:0014832, OMIM 616917.

Submission:

Labcorp Genetics (formerly Invitae), Labcorp
Classification: Uncertain significance for Intellectual disability, autosomal recessive 53. Last evaluated: 2019-04-03. Review status: criteria provided, single submitter. Criteria: Invitae Variant Classification Sherloc (09022015). Collection method: clinical testing. Allele origin: germline.
Comment: In summary, the available evidence is currently insufficient to determine the role of this variant in disease. Therefore, it has been classified as a Variant of Uncertain Significance. Algorithms developed to predict the effect of missense changes on protein structure and function output the following: SIFT: "Tolerated"; PolyPhen-2: "Benign"; Align-GVGD: "Class C0". The valine amino acid residue is found in multiple mammalian species, suggesting that this missense change does not adversely affect protein function. These predictions have not been confirmed by published functional studies and their clinical significance is uncertain. This sequence change replaces isoleucine with valine at codon 20 of the PIGG protein (p.Ile20Val). The isoleucine residue is weakly conserved and there is a small physicochemical difference between isoleucine and valine. This variant is not present in population databases (ExAC no frequency). This variant has not been reported in the literature in individuals with PIGG-related conditions.

NM_001127178.3(PIGG):c.58A>G (p.Ile20Val)

Gene: PIGG (phosphatidylinositol glycan anchor biosynthesis class G (EMM blood group); plus strand). Cytogenetic location: 4p16.3.
Variant type: single nucleotide variant.
Coding change: c.58A>G on transcript NM_001127178.3 (MANE Select); coding-DNA position 58, A replaced by G.
Protein change: p.Ile20Val; replaces isoleucine 20 with valine.
Molecular consequence: missense variant. On other transcripts: 5 prime UTR variant (9), non-coding transcript variant (10), intron variant (1).
Genome position (GRCh38, 1-based): chr4:499,393, A>G. VCF-style: chr4-499393-A-G. GRCh37 (hg19) VCF-style: chr4-493182-A-G.
Other names: c.58A>G, p.Ile20Val (NM_001289052.2, NM_001345989.2, NM_017733.5); c.-768A>G (NM_001289053.2); c.-379A>G (NM_001289055.2); c.-446A>G (NM_001289057.2, NM_001345986.2, NM_001345987.2); c.-1066A>G (NM_001345988.2); c.-1568A>G (NM_001345990.2); c.-1666A>G (NM_001345991.2); c.-1391A>G (NM_001345994.2); and 1 more; short protein forms I20V.
Identifiers: ClinVar variation 840539 (VCV000840539.9), dbSNP rs1716673781, ClinGen allele CA355888566.
Genomic context (GRCh38, chr4:499,393, plus strand): 5'-ACGATGCGGCTGGGCTCCGGGACTTTCGCTACCTGTTGCGTAGCGATCGAGGTGCTAGGG[A>G]TCGCGGTCTTCCTTCGGGGATTCTTCCCGGCTCCCGTTCGTTCCTCTGCCAGAGCGGAAC-3'
Protein context (NP_001120650.1, residues 10-30): TCCVAIEVLG[Ile20Val]AVFLRGFFPA